The following is an entry in ClinVar:

NM_015450.3(POT1):c.984A>T (p.Arg328Ser)

Gene: POT1 (protection of telomeres 1; minus strand). Cytogenetic location: 7q31.33.
Variant type: single nucleotide variant.
Coding change: c.984A>T on transcript NM_015450.3 (MANE Select); coding-DNA position 984, A replaced by T.
Protein change: p.Arg328Ser; replaces arginine 328 with serine.
Molecular consequence: missense variant. On other transcripts: non-coding transcript variant (3).
Genome position (GRCh38, 1-based): chr7:124,846,964, T>A on the plus strand (A>T on the coding strand, the complement: POT1 is on the minus strand). VCF-style: chr7-124846964-T-A. GRCh37 (hg19) VCF-style: chr7-124487018-T-A.
Other names: c.591A>T, p.Arg197Ser (NM_001042594.2); short protein forms R197S, R328S.
Identifiers: ClinVar variation 823506 (VCV000823506.14), dbSNP rs1584761529, ClinGen allele CA369053747.

ClinVar aggregate classification (germline): Uncertain significance. Review status: criteria provided, multiple submitters, no conflicts (2 of 4 stars). 3 submissions from 3 submitters: Uncertain significance (3). Last evaluated 2026-01-25.

Conditions:
Tumor predisposition syndrome 3 (TPDS3). Also called: Melanoma, cutaneous malignant, susceptibility to, 10; Glioma susceptibility 9; LONG TELOMERE SYNDROME, POT1-RELATED; POT1 Tumor Predisposition. Identifiers: Orphanet 618, MedGen C4014476, MONDO:0014368, OMIM 615848.
Hereditary cancer-predisposing syndrome. Also called: Neoplastic Syndromes, Hereditary; Tumor predisposition; Hereditary Cancer Syndrome; Hereditary neoplastic syndrome. Identifiers: Orphanet 140162, MedGen C0027672, MeSH D009386, MONDO:0015356.

Submissions (3):

Labcorp Genetics (formerly Invitae), Labcorp
Classification: Uncertain significance for Tumor predisposition syndrome 3. Last evaluated: 2026-01-25. Review status: criteria provided, single submitter. Criteria: Invitae Variant Classification Sherloc (09022015). Collection method: clinical testing. Allele origin: germline.
Comment: This sequence change replaces arginine, which is basic and polar, with serine, which is neutral and polar, at codon 328 of the POT1 protein (p.Arg328Ser). This variant is not present in population databases (gnomAD no frequency). This variant has not been reported in the literature in individuals affected with POT1-related conditions. ClinVar contains an entry for this variant (Variation ID: 823506). Invitae Evidence Modeling of protein sequence and biophysical properties (such as structural, functional, and spatial information, amino acid conservation, physicochemical variation, residue mobility, and thermodynamic stability) indicates that this missense variant is not expected to disrupt POT1 protein function with a negative predictive value of 80%. In summary, the available evidence is currently insufficient to determine the role of this variant in disease. Therefore, it has been classified as a Variant of Uncertain Significance.

Ambry Genetics
Classification: Uncertain significance for Hereditary cancer-predisposing syndrome. Last evaluated: 2024-05-29. Review status: criteria provided, single submitter. Criteria: Ambry Variant Classification Scheme 2023. Collection method: clinical testing. Allele origin: germline.
Comment: The p.R328S variant (also known as c.984A>T), located in coding exon 8 of the POT1 gene, results from an A to T substitution at nucleotide position 984. The arginine at codon 328 is replaced by serine, an amino acid with dissimilar properties. This amino acid position is highly conserved in available vertebrate species. In addition, the in silico prediction for this alteration is inconclusive. Since supporting evidence is limited at this time, the clinical significance of this alteration remains unclear.

Blueprint Genetics
Classification: Uncertain significance. Last evaluated: 2022-11-22. Review status: criteria provided, single submitter. Criteria: ACMG Guidelines, 2015. Collection method: clinical testing. Allele origin: germline.